The following is an entry in ClinVar:

ClinVar aggregate classification (germline): Uncertain significance (1 of 4 stars; one submission).

Allele frequency attached by ClinVar (database versions not stated): ESP Exome Variant Server 0.00009.
gnomAD v4.1: 3 of 1,187,671 alleles (0.00025%); highest among the groups gnomAD compares: Non-Finnish European, 0.00011%; no homozygotes.

Submission:

CeGaT Center for Human Genetics Tuebingen
Classification: Uncertain significance. Last evaluated: 2023-10-01. Review status: criteria provided, single submitter. Criteria: CeGaT Center For Human Genetics Tuebingen Variant Classification Criteria Version 2. Collection method: clinical testing. Allele origin: germline. Affected: yes. Observed: 1 variant allele.
Comment: TSR2: PM2, BP4

NM_058163.3(TSR2):c.166C>A (p.Arg56Ser)

Gene: TSR2 (TSR2 ribosome maturation factor; plus strand). Cytogenetic location: Xp11.22.
Variant type: single nucleotide variant.
Coding change: c.166C>A on transcript NM_058163.3 (MANE Select); coding-DNA position 166, C replaced by A.
Protein change: p.Arg56Ser; replaces arginine 56 with serine.
Molecular consequence: missense variant. On other transcripts: 5 prime UTR variant (2), intron variant (1).
Genome position (GRCh38, 1-based): chrX:54,440,774, C>A. VCF-style: chrX-54440774-C-A. GRCh37 (hg19) VCF-style: chrX-54467207-C-A.
Other names: c.166C>A, p.Arg56Ser (NM_001346789.2); c.-222C>A (NM_001346790.2); c.-231C>A (NM_001346791.2); c.-114+272C>A (NM_001346792.2); short protein forms R56S.
Identifiers: ClinVar variation 2660661 (VCV002660661.24), dbSNP rs374472583, ClinGen allele CA10424793.
Genomic context (GRCh38, chrX:54,440,774, plus strand): 5'-GGTGTGCACAGCCAGGAGAAGGCCAAGTGGCTGGGGGGTGCAGTGGAGGATTACTTCATG[C>A]GCAATGGTGAGTGAATGTGAGGCGCCGCGACCCGCCTGTGTGGGGGTGTGGAGAGGAGGA-3'
Protein context (NP_477511.1, residues 46-66): LGGAVEDYFM[Arg56Ser]NADLELDEVE